The following is an entry in ClinVar:

NM_001127222.2(CACNA1A):c.2371G>A (p.Glu791Lys)

Gene: CACNA1A (calcium voltage-gated channel subunit alpha1 A; minus strand). Cytogenetic location: 19p13.13.
Variant type: single nucleotide variant.
Coding change: c.2371G>A on transcript NM_001127222.2 (MANE Select); coding-DNA position 2371, G replaced by A.
Protein change: p.Glu791Lys; replaces glutamic acid 791 with lysine.
Molecular consequence: missense variant.
Genome position (GRCh38, 1-based): chr19:13,299,262, C>T on the plus strand (G>A on the coding strand, the complement: CACNA1A is on the minus strand). VCF-style: chr19-13299262-C-T. GRCh37 (hg19) VCF-style: chr19-13410076-C-T.
Other names: c.2383G>A, p.Glu795Lys (NM_000068.4, NM_023035.3); c.2374G>A, p.Glu792Lys (NM_001127221.2, NM_001174080.2); short protein forms E792K, E791K, E795K.
Identifiers: ClinVar variation 2016943 (VCV002016943.4), dbSNP rs2512910651, ClinGen allele CA404343599.

ClinVar aggregate classification (germline): Uncertain significance (1 of 4 stars; one submission).

Conditions:
Episodic ataxia type 2 (EA2). Also called: ATAXIA, EPISODIC, WITH NYSTAGMUS; ATAXIA, FAMILIAL PAROXYSMAL; CEREBELLAR ATAXIA, PAROXYSMAL, ACETAZOLAMIDE-RESPONSIVE; CEREBELLOPATHY, HEREDITARY PAROXYSMAL; ACETAZOLAMIDE-RESPONSIVE HEREDITARY PAROXYSMAL CEREBELLAR ATAXIA; EPISODIC ATAXIA, NYSTAGMUS-ASSOCIATED. Identifiers: Orphanet 97, MedGen C1720416, MONDO:0007163, OMIM 108500.
Developmental and epileptic encephalopathy, 42 (DEE42A). Also called: Epileptic encephalopathy, early infantile, 42; DEVELOPMENTAL AND EPILEPTIC ENCEPHALOPATHY 42A; EPILEPTIC ENCEPHALOPATHY, EARLY INFANTILE, 42A. Identifiers: MedGen C4310716, MONDO:0014917, OMIM 617106.

Submission:

Labcorp Genetics (formerly Invitae), Labcorp
Classification: Uncertain significance for Developmental and epileptic encephalopathy, 42; Episodic ataxia type 2. Last evaluated: 2022-07-24. Review status: criteria provided, single submitter. Criteria: Invitae Variant Classification Sherloc (09022015). Collection method: clinical testing. Allele origin: germline.
Comment: In summary, the available evidence is currently insufficient to determine the role of this variant in disease. Therefore, it has been classified as a Variant of Uncertain Significance. Advanced modeling of protein sequence and biophysical properties (such as structural, functional, and spatial information, amino acid conservation, physicochemical variation, residue mobility, and thermodynamic stability) performed at Invitae indicates that this missense variant is not expected to disrupt CACNA1A protein function. This variant has not been reported in the literature in individuals affected with CACNA1A-related conditions. This variant is not present in population databases (gnomAD no frequency). This sequence change replaces glutamic acid, which is acidic and polar, with lysine, which is basic and polar, at codon 792 of the CACNA1A protein (p.Glu792Lys).